The following is an entry in ClinVar:

ClinVar aggregate classification (germline): Benign/Likely benign. Review status: criteria provided, multiple submitters, no conflicts (2 of 4 stars). 2 submissions from 2 submitters: Benign (1); Likely benign (1). Last evaluated 2025-08-30.

Conditions:
Wolfram syndrome 1 (WFS1). Identifiers: Orphanet 3463, MedGen C4551693, MONDO:0009101, OMIM 222300.

gnomAD v4.1: 43 of 1,612,260 alleles (0.0027%); highest among the groups gnomAD compares: East Asian, 0.013%; no homozygotes.

Submissions (2):

Labcorp Genetics (formerly Invitae), Labcorp
Classification: Likely benign. Last evaluated: 2025-08-30. Review status: criteria provided, single submitter. Criteria: Invitae Variant Classification Sherloc (09022015). Collection method: clinical testing. Allele origin: germline.

Clinical Genomics, Uppaluri K&H Personalized Medicine Clinic
Classification: Benign for Wolfram syndrome 1. Review status: criteria provided, single submitter. Criteria: K & H Uppaluri Personalized Medicine Clinic Variant Classification & Assertion Criteria_Updated V.1. Collection method: research. Allele origin: unknown. Inheritance: Autosomal recessive inheritance.
Comment: Potent mutations in WFS1 gene are associated with Wolfram's syndrome, an autosomal recessive condition, which cause diabetes mellitus, diabetes insipidus, deafness and optic atrophy. However no sufficient evidence is found to ascertain the role of this particular variant rs201145164 in Wolfram's syndrome yet.

Literature cited by the submitters: PubMed 20738327 (cited by Clinical Genomics, Uppaluri K&H Personalized Medicine Clinic); PubMed 33879153 (cited by Clinical Genomics, Uppaluri K&H Personalized Medicine Clinic); PubMed 12955714 (cited by Clinical Genomics, Uppaluri K&H Personalized Medicine Clinic); PubMed 18060660 (cited by Clinical Genomics, Uppaluri K&H Personalized Medicine Clinic); PubMed 20301750 (cited by Clinical Genomics, Uppaluri K&H Personalized Medicine Clinic); PubMed 17603484 (cited by Clinical Genomics, Uppaluri K&H Personalized Medicine Clinic).

NM_006005.3(WFS1):c.468G>A (p.Thr156=)

Gene: WFS1 (wolframin ER transmembrane glycoprotein; plus strand). Cytogenetic location: 4p16.1.
Variant type: single nucleotide variant.
Coding change: c.468G>A on transcript NM_006005.3 (MANE Select); coding-DNA position 468, G replaced by A.
Protein change: p.Thr156=; no amino-acid change (threonine 156 retained).
Molecular consequence: synonymous variant.
Genome position (GRCh38, 1-based): chr4:6,291,204, G>A. VCF-style: chr4-6291204-G-A. GRCh37 (hg19) VCF-style: chr4-6292931-G-A.
Other names: c.468G>A, p.Thr156= (NM_001145853.1).
Identifiers: ClinVar variation 1454997 (VCV001454997.8), dbSNP rs201145164, ClinGen allele CA2838912.